The following is an entry in ClinVar:

ClinVar aggregate classification (germline): Likely pathogenic (1 of 4 stars; one submission).

Conditions:
Mitochondrial disease. Also called: Mitochondrial disorders; Mitochondrial disorder. Identifiers: Orphanet 68380, MedGen C0751651, MeSH D028361, MONDO:0044970.

Submission:

Genomenon, Inc
Classification: Likely pathogenic for Mitochondrial disease. Last evaluated: 2025-11-24. Review status: criteria provided, single submitter. Criteria: Genomenon Sequence Variant Interpretation Standards - Updated. Collection method: curation. Allele origin: germline. Affected: no.
Comment: TK2 p.Ala139Glu (c.416C>A) is a missense variant that changes the amino acid at residue 139 from Alanine to Glutamic acid. This variant has been reported in the published literature (34758700). The presence of pathogenic missense variant(s) at the same amino acid position indicates that this residue is likely important for protein function. This variant is not present at a significant frequency in gnomAD and in silico models agree that this variant is possibly or probably damaging. In conclusion, we classify TK2 p.Ala139Glu (c.416C>A) as a likely pathogenic variant.

Literature cited by the submitters: PubMed 34758700.

NM_004614.5(TK2):c.416C>A (p.Ala139Glu)

Gene: TK2 (thymidine kinase 2; minus strand). Cytogenetic location: 16q21.
Variant type: single nucleotide variant.
Coding change: c.416C>A on transcript NM_004614.5 (MANE Select); coding-DNA position 416, C replaced by A.
Protein change: p.Ala139Glu; replaces alanine 139 with glutamic acid.
Molecular consequence: missense variant. On other transcripts: non-coding transcript variant (1).
Genome position (GRCh38, 1-based): chr16:66,529,027, G>T on the plus strand (C>A on the coding strand, the complement: TK2 is on the minus strand). VCF-style: chr16-66529027-G-T. GRCh37 (hg19) VCF-style: chr16-66562930-G-T.
Other names: c.323C>A, p.Ala108Glu (NM_001172643.1, NM_001271935.1); c.341C>A, p.Ala114Glu (NM_001172644.2); c.362C>A, p.Ala121Glu (NM_001172645.2); c.269C>A, p.Ala90Glu (NM_001271934.2); c.125C>A, p.Ala42Glu (NM_001272050.2); short protein forms A108E, A114E, A121E, A139E, A42E, A90E.
Identifiers: ClinVar variation 3778838 (VCV003778838.2).